The following is an entry in ClinVar:

NM_001193329.3(AOPEP):c.614A>G (p.Tyr205Cys)

Gene: AOPEP (aminopeptidase O (putative); plus strand). Cytogenetic location: 9q22.32.
Variant type: single nucleotide variant.
Coding change: c.614A>G on transcript NM_001193329.3 (MANE Select); coding-DNA position 614, A replaced by G.
Protein change: p.Tyr205Cys; replaces tyrosine 205 with cysteine.
Molecular consequence: missense variant. On other transcripts: non-coding transcript variant (5), intron variant (2).
Genome position (GRCh38, 1-based): chr9:94,760,397, A>G. VCF-style: chr9-94760397-A-G. GRCh37 (hg19) VCF-style: chr9-97522679-A-G.
Other names: c.614A>G, p.Tyr205Cys (NM_001193331.3, NM_001386062.2, NM_001386063.2 and 11 more transcripts); c.-29-32368A>G (NM_001386061.1); c.-73-12605A>G (NM_001386073.1); short protein forms Y205C.
Identifiers: ClinVar variation 3067285 (VCV003067285.21), dbSNP rs1463680603, ClinGen allele CA374336744.

ClinVar aggregate classification (germline): Uncertain significance (1 of 4 stars; one submission).

Allele frequency attached by ClinVar (database versions not stated): gnomAD exomes below 0.00001; gnomAD 0.00001; TOPMed 0.00001.
gnomAD v4.1: 5 of 1,613,918 alleles (0.00031%); highest among the groups gnomAD compares: African/African-American, 0.0013%; no homozygotes.

Submission:

CeGaT Center for Human Genetics Tuebingen
Classification: Uncertain significance. Last evaluated: 2024-03-01. Review status: criteria provided, single submitter. Criteria: CeGaT Center For Human Genetics Tuebingen Variant Classification Criteria Version 2. Collection method: clinical testing. Allele origin: germline. Affected: yes. Observed: 1 variant allele.
Comment: AOPEP: PM2, BP4